The following is an entry in ClinVar:

ClinVar aggregate classification (germline): Uncertain significance (1 of 4 stars; one submission).

gnomAD v4.1: 11 of 1,563,970 alleles (0.0007%); highest among the groups gnomAD compares: Non-Finnish European, 0.00087%; no homozygotes.

Submission:

Labcorp Genetics (formerly Invitae), Labcorp
Classification: Uncertain significance. Last evaluated: 2025-04-21. Review status: criteria provided, single submitter. Criteria: Invitae Variant Classification Sherloc (09022015). Collection method: clinical testing. Allele origin: germline.
Comment: This sequence change replaces leucine, which is neutral and non-polar, with phenylalanine, which is neutral and non-polar, at codon 983 of the PTPN23 protein (p.Leu983Phe). This variant is present in population databases (no rsID available, gnomAD 0.001%). This variant has not been reported in the literature in individuals affected with PTPN23-related conditions. ClinVar contains an entry for this variant (Variation ID: 2981429). Experimental studies and prediction algorithms are not available or were not evaluated, and the functional significance of this variant is currently unknown. In summary, the available evidence is currently insufficient to determine the role of this variant in disease. Therefore, it has been classified as a Variant of Uncertain Significance.

NM_015466.4(PTPN23):c.2947C>T (p.Leu983Phe)

Gene: PTPN23 (protein tyrosine phosphatase non-receptor type 23; plus strand). Cytogenetic location: 3p21.31.
Variant type: single nucleotide variant.
Coding change: c.2947C>T on transcript NM_015466.4 (MANE Select); coding-DNA position 2947, C replaced by T.
Protein change: p.Leu983Phe; replaces leucine 983 with phenylalanine.
Molecular consequence: missense variant.
Genome position (GRCh38, 1-based): chr3:47,410,745, C>T. VCF-style: chr3-47410745-C-T. GRCh37 (hg19) VCF-style: chr3-47452235-C-T.
Other names: c.2569C>T, p.Leu857Phe (NM_001304482.2); short protein forms L857F, L983F.
Identifiers: ClinVar variation 2981429 (VCV002981429.3), dbSNP rs1385277393, ClinGen allele CA352560844.
Genomic context (GRCh38, chr3:47,410,745, plus strand): 5'-CCTTCACAAGCGTTTGGGCCTCAGCCCCCACAGCAGCCCCTTCCACTCCAGCATCCACAT[C>T]TCTTCCCACCCCAGGCCCCAGGACTCCTACCCCCACAATCCCCCTACCCCTATGCCCCTC-3'
Protein context (NP_056281.1, residues 973-993): QQPLPLQHPH[Leu983Phe]FPPQAPGLLP